The following is an entry in ClinVar:

ClinVar aggregate classification (germline): Pathogenic/Likely pathogenic. Review status: criteria provided, multiple submitters, no conflicts (2 of 4 stars). 5 submissions from 5 submitters: Pathogenic (1); Likely pathogenic (2). 2 of the submissions do not count toward it. Last evaluated 2024-03-25.

Conditions:
Enhanced S-cone syndrome (ESCS). Identifiers: Orphanet 53540, MedGen C1849394, MONDO:0100288, MONDO:0009989.

Allele frequency attached by ClinVar (database versions not stated): gnomAD exomes below 0.00001.
gnomAD v4.1: 1 of 1,564,092 alleles (0.000064%); highest among the groups gnomAD compares: Non-Finnish European, 0.000087%; no homozygotes.

Submissions (5):

Natera, Inc.
Classification: Likely pathogenic for Enhanced S cone syndrome. Last evaluated: 2024-03-25. Review status: criteria provided, single submitter. Criteria: Natera Variant Classification Schema (03/2026). Collection method: clinical testing. Allele origin: germline.
Comment: The c.95G>A variant in NR2E3 is a nonsense variant predicted to introduce a stop codon at amino acid 32. This variant is expected to result in nonsense mediated decay, truncation, or a dysfunctional protein product. This variant is rare in the general population with a frequency below the threshold expected for the associated phenotype(s). Given the available evidence, this variant is classified as Likely Pathogenic.

Baylor Genetics
Classification: Likely pathogenic for ENHANCED S-CONE SYNDROME 1. Last evaluated: 2024-02-15. Review status: criteria provided, single submitter. Criteria: ACMG Guidelines, 2015. Collection method: clinical testing. Allele origin: unknown.

Labcorp Genetics (formerly Invitae), Labcorp
Classification: Pathogenic. Last evaluated: 2021-01-17. Review status: criteria provided, single submitter. Criteria: Invitae Variant Classification Sherloc (09022015). Collection method: clinical testing. Allele origin: germline.
Comment: This variant has been observed in an individual affected with retinitis pigmentosa (PMID: 22334370). ClinVar contains an entry for this variant (Variation ID: 963680). For these reasons, this variant has been classified as Pathogenic. This sequence change creates a premature translational stop signal (p.Trp32*) in the NR2E3 gene. It is expected to result in an absent or disrupted protein product. Loss-of-function variants in NR2E3 are known to be pathogenic (PMID: 15459973, 27522502). This variant is not present in population databases (ExAC no frequency).

Clinical Genetics, Academic Medical Center
Classification: Likely pathogenic. Review status: no assertion criteria provided. Collection method: clinical testing. Allele origin: germline. Affected: yes. Study: VKGL Data-share Consensus. Not counted in ClinVar's aggregate classification.

Joint Genome Diagnostic Labs from Nijmegen and Maastricht, Radboudumc and MUMC+
Classification: Pathogenic. Review status: no assertion criteria provided. Collection method: clinical testing. Allele origin: germline. Affected: yes. Study: VKGL Data-share Consensus. Not counted in ClinVar's aggregate classification.

Literature cited by the submitters: PubMed 22334370 (cited by Labcorp Genetics (formerly Invitae), Labcorp); PubMed 15459973 (cited by Labcorp Genetics (formerly Invitae), Labcorp); PubMed 27522502 (cited by Labcorp Genetics (formerly Invitae), Labcorp).

NM_014249.4(NR2E3):c.95G>A (p.Trp32Ter)

Gene: NR2E3 (nuclear receptor subfamily 2 group E member 3; plus strand). Cytogenetic location: 15q23.
Variant type: single nucleotide variant.
Coding change: c.95G>A on transcript NM_014249.4 (MANE Select); coding-DNA position 95, G replaced by A.
Protein change: p.Trp32Ter; replaces tryptophan 32 with a stop codon.
Molecular consequence: nonsense.
Genome position (GRCh38, 1-based): chr15:71,810,838, G>A. VCF-style: chr15-71810838-G-A. GRCh37 (hg19) VCF-style: chr15-72103178-G-A.
Other names: c.95G>A, p.Trp32Ter (NM_016346.4); short protein forms W32*.
Identifiers: ClinVar variation 963680 (VCV000963680.15), dbSNP rs2054172807, ClinGen allele CA393031774.
Genomic context (GRCh38, chr15:71,810,838, plus strand): 5'-CAGTGGCTGCAGCTGCGCCTGCAGCTGGGGCTGCCTCCAGGAAGGAGTCTCCAGGCAGAT[G>A]GGGCCTGGGGGAGGATCCCACAGGTATGGCTTCTCCTGGAGGTAGGGTTGGGTCTGGGCC-3'